The following is an entry in ClinVar:

ClinVar aggregate classification (germline): Conflicting classifications of pathogenicity. Review status: criteria provided, conflicting classifications (1 of 4 stars). 11 submissions from 11 submitters: Uncertain significance (10); Likely benign (1). Last evaluated 2026-08-27.

Conditions:
SLX4-related disorder. Also called: SLX4-related condition.
Fanconi anemia (FA). Also called: Fanconi's anemia. Identifiers: Orphanet 84, MedGen C0015625, MeSH D005199, MONDO:0019391.
Fanconi anemia complementation group P. Also called: SLX4-Related Fanconi Anemia. Identifiers: Orphanet 84, MedGen C3469542, MONDO:0013499, OMIM 613951.

Allele frequency attached by ClinVar (database versions not stated): TOPMed 0.00042; ESP Exome Variant Server 0.00046.
gnomAD v4.1: 1,102 of 1,613,234 alleles (0.068%); highest among the groups gnomAD compares: Non-Finnish European, 0.088%; 1 homozygote.

Submissions (11):

GeneDx
Classification: Uncertain significance. Last evaluated: 2026-08-27. Review status: criteria provided, single submitter. Criteria: GeneDx Variant Classification Process June 2021. Collection method: clinical testing. Allele origin: germline.
Comment: Observed in individuals with breast or ovarian cancer (PMID: 23840564, 32546565); In silico analysis suggests that this missense variant does not alter protein structure/function; This variant is associated with the following publications: (PMID: 23840564, 32546565, Aoyama2026[casereport])

Labcorp Genetics (formerly Invitae), Labcorp
Classification: Likely benign for Fanconi anemia. Last evaluated: 2026-02-01. Review status: criteria provided, single submitter. Criteria: Invitae Variant Classification Sherloc (09022015). Collection method: clinical testing. Allele origin: germline.

PreventionGenetics, part of Exact Sciences
Classification: Uncertain significance for SLX4-related condition. Last evaluated: 2025-06-20. Review status: criteria provided, single submitter. Criteria: ACMG Guidelines, 2015. Collection method: clinical testing. Allele origin: germline.
Comment: The SLX4 c.4057C>A variant is predicted to result in the amino acid substitution p.His1353Asn. To our knowledge, this variant has not been reported in the literature. This variant is reported in 0.066% of alleles in individuals of European (Non-Finnish) descent in gnomAD. Although we suspect that this variant may be benign, at this time, the clinical significance of this variant is uncertain due to the absence of conclusive functional and genetic evidence.

Blueprint Genetics
Classification: Uncertain significance. Last evaluated: 2024-10-22. Review status: criteria provided, single submitter. Criteria: ACMG Guidelines, 2015. Collection method: clinical testing. Allele origin: germline.

ARUP Laboratories, Molecular Genetics and Genomics, ARUP Laboratories
Classification: Uncertain significance for Fanconi anemia complementation group P. Last evaluated: 2024-09-05. Review status: criteria provided, single submitter. Criteria: ARUP Molecular Germline Variant Investigation Process 2024. Collection method: clinical testing. Allele origin: germline.
Comment: The SLX4 c.4057C>A; p.His1353Asn variant (rs142205392, ClinVar Variation ID: 241686), to our knowledge, has not been reported in individuals with bone marrow failure or related disorders. This variant is found predominantly in the non-Finnish European population with an allele frequency of 0.066% (85/128928 alleles) in the Genome Aggregation Database (v2.1.1). Computational analyses predict that this variant is neutral (REVEL: 0.022). Due to limited information, the clinical significance of this variant is uncertain at this time.

Institute for Clinical Genetics, University Hospital TU Dresden, University Hospital TU Dresden
Classification: Uncertain significance. Last evaluated: 2021-11-03. Review status: criteria provided, single submitter. Criteria: ACMG Guidelines, 2015. Collection method: clinical testing. Allele origin: germline.

Sema4
Classification: Uncertain significance for Fanconi anemia. Last evaluated: 2021-10-04. Review status: criteria provided, single submitter. Criteria: Sema4 Curation Guidelines. Collection method: curation. Allele origin: germline.
Comment: The SLX4 c.4057C>A (p.H1353N) has been reported in at least one individual with breast cancer who tested negative for BRCA1 and BRCA2 mutations (PMID: 23840564). It was also detected in an epithelial ovarian cancer case-control study in 8 cases and 6 controls (PMID: 32546565). This variant was observed in 85/128928 chromosomes in the Non-Finnish European (NFE) population, with no homozygotes, according to the Genome Aggregation Database (PMID: 32461654), and has been reported in ClinVar (Variation ID: 241686). In silico tools suggest the impact of the variant on protein function is benign, though these predictions have not been confirmed by functional studies. Based on the current evidence available, this variant is interpreted as a variant of uncertain significance.

Genetic Services Laboratory, University of Chicago
Classification: Uncertain significance. Last evaluated: 2021-09-01. Review status: criteria provided, single submitter. Criteria: ACMG Guidelines, 2015. Collection method: clinical testing. Allele origin: germline. Affected: no.
Comment: DNA sequence analysis of the SLX4 gene demonstrated a sequence change, c.4057C>A, in exon 12 that results in an amino acid change, p.His1353Asn. This sequence change does not appear to have been previously described in patients with SLX4-related disorders and has been described in the gnomAD database with a frequency of 0.07% in European populations (dbSNP rs142205392). The p.His1353Asn change affects a poorly conserved amino acid residue located in a domain of the SLX4 protein that is not known to be functional. The p.His1353Asn substitution appears to be benign using several in-silico pathogenicity prediction tools (SIFT, PolyPhen2, Align GVGD, REVEL). Due to the lack of functional studies, the clinical significance of the p.His1353Asn change remains unknown at this time.

St. Jude Molecular Pathology, St. Jude Children's Research Hospital
Classification: Uncertain significance for Fanconi anemia complementation group P. Last evaluated: 2021-03-17. Review status: criteria provided, single submitter. Criteria: St. Jude Assertion Criteria 2020. Collection method: clinical testing. Allele origin: germline.

Baylor Genetics
Classification: Uncertain significance for Fanconi anemia complementation group P. Last evaluated: 2019-04-03. Review status: criteria provided, single submitter. Criteria: ACMG Guidelines, 2015. Collection method: clinical testing. Allele origin: unknown. Affected: yes. Study: CSER-TexasKidsCanSeq.
Comment: This variant was determined to be of uncertain significance according to ACMG Guidelines, 2015 [PMID:25741868].

Illumina Laboratory Services, Illumina
Classification: Uncertain significance for Fanconi anemia complementation group P. Last evaluated: 2018-01-13. Review status: criteria provided, single submitter. Criteria: ICSL Variant Classification Criteria 13 December 2019. Collection method: clinical testing. Allele origin: germline.

Literature cited by the submitters: PubMed 23840564 (cited by Sema4); PubMed 32546565 (cited by Sema4).

NM_032444.4(SLX4):c.4057C>A (p.His1353Asn)

Gene: SLX4 (SLX4 structure-specific endonuclease subunit; minus strand). Cytogenetic location: 16p13.3.
Variant type: single nucleotide variant.
Coding change: c.4057C>A on transcript NM_032444.4 (MANE Select); coding-DNA position 4057, C replaced by A.
Protein change: p.His1353Asn; replaces histidine 1353 with asparagine.
Molecular consequence: missense variant.
Genome position (GRCh38, 1-based): chr16:3,589,581, G>T on the plus strand (C>A on the coding strand, the complement: SLX4 is on the minus strand). VCF-style: chr16-3589581-G-T. GRCh37 (hg19) VCF-style: chr16-3639582-G-T.
Other names: c.4057C>A (LRG_503t1); short protein forms H1353N.
Identifiers: ClinVar variation 241686 (VCV000241686.28), dbSNP rs142205392, ClinGen allele CA7865745.